The following is an entry in ClinVar:

NC_000010.10:g.(?_54049964)_(54053660_?)del

Gene: PRKG1 (protein kinase cGMP-dependent 1; plus strand). Cytogenetic location: 10q21.1.
Variant type: Deletion.
Identifiers: ClinVar variation 2425544 (VCV002425544.3).

ClinVar aggregate classification (germline): Uncertain significance (1 of 4 stars; one submission).

Conditions:
Aortic aneurysm, familial thoracic 8 (AAT8). Identifiers: MedGen C3809513, MONDO:0014187, OMIM 615436.

Submission:

Labcorp Genetics (formerly Invitae), Labcorp
Classification: Uncertain significance for Aortic aneurysm, familial thoracic 8. Last evaluated: 2022-08-29. Review status: criteria provided, single submitter. Criteria: Invitae Variant Classification Sherloc (09022015). Collection method: clinical testing. Allele origin: germline.
Comment: In summary, the available evidence is currently insufficient to determine the role of this variant in disease. Therefore, it has been classified as a Variant of Uncertain Significance. Experimental studies and prediction algorithms are not available or were not evaluated, and the functional significance of this variant is currently unknown. This variant has not been reported in the literature in individuals affected with PRKG1-related conditions. This variant is a gross deletion of the genomic region encompassing exon(s) 17-18 of the PRKG1 gene, which includes the termination codon. This deletion extends beyond the assayed region for this gene and therefore may encompass additional genes. While this deletion is not anticipated to lead to nonsense mediated decay, it is expected to alter mRNA translation or result in a truncated protein product.